The following is an entry in ClinVar:

ClinVar aggregate classification (germline): Uncertain significance (1 of 4 stars; one submission).

Conditions:
KRIT1-related disorder. Also called: KRIT1-related condition; KRIT1-related disorders.

Allele frequency attached by ClinVar (database versions not stated): gnomAD exomes below 0.00001; TOPMed 0.00001; gnomAD 0.00002.
gnomAD v4.1: 4 of 1,597,190 alleles (0.00025%); highest among the groups gnomAD compares: African/African-American, 0.0054%; no homozygotes.

Submission:

PreventionGenetics, part of Exact Sciences
Classification: Uncertain significance for KRIT1-related condition. Last evaluated: 2023-09-13. Review status: criteria provided, single submitter. Criteria: ACMG Guidelines, 2015. Collection method: clinical testing. Allele origin: germline.
Comment: The KRIT1 c.1572C>A variant is predicted to result in the amino acid substitution p.Asp524Glu. To our knowledge, this variant has not been reported in the literature or in a large population database, indicating this variant is rare. At this time, the clinical significance of this variant is uncertain due to the absence of conclusive functional and genetic evidence.

NM_194454.3(KRIT1):c.1572C>A (p.Asp524Glu)

Gene: KRIT1 (KRIT1 ankyrin repeat containing; minus strand). Cytogenetic location: 7q21.2.
Variant type: single nucleotide variant.
Coding change: c.1572C>A on transcript NM_194454.3 (MANE Select); coding-DNA position 1572, C replaced by A.
Protein change: p.Asp524Glu; replaces aspartic acid 524 with glutamic acid.
Molecular consequence: missense variant.
Genome position (GRCh38, 1-based): chr7:92,214,769, G>T on the plus strand (C>A on the coding strand, the complement: KRIT1 is on the minus strand). VCF-style: chr7-92214769-G-T. GRCh37 (hg19) VCF-style: chr7-91844083-G-T.
Other names: c.1428C>A, p.Asp476Glu (NM_001013406.2, NM_001350669.1, NM_001350670.1); c.858C>A, p.Asp286Glu (NM_001350671.1); c.1572C>A, p.Asp524Glu (NM_001350672.1, NM_001350673.1, NM_001350674.1 and 26 more transcripts); short protein forms D286E, D476E, D524E.
Identifiers: ClinVar variation 2632382 (VCV002632382.1), dbSNP rs1219930277, ClinGen allele CA368142588.